The following is an entry in ClinVar:

NM_032608.7(MYO18B):c.2291C>T (p.Ala764Val)

Gene: MYO18B (myosin XVIIIB; plus strand). Cytogenetic location: 22q12.1.
Variant type: single nucleotide variant.
Coding change: c.2291C>T on transcript NM_032608.7 (MANE Select); coding-DNA position 2291, C replaced by T.
Protein change: p.Ala764Val; replaces alanine 764 with valine.
Molecular consequence: missense variant.
Genome position (GRCh38, 1-based): chr22:25,781,813, C>T. VCF-style: chr22-25781813-C-T. GRCh37 (hg19) VCF-style: chr22-26177780-C-T.
Other names: c.2291C>T, p.Ala764Val (NM_001318245.2); c.2291C>T (NM_032608.5); short protein forms A764V.
Identifiers: ClinVar variation 1355114 (VCV001355114.7), dbSNP rs2087172444, ClinGen allele CA410994119.

ClinVar aggregate classification (germline): Uncertain significance. Review status: criteria provided, multiple submitters, no conflicts (2 of 4 stars). 2 submissions from 2 submitters: Uncertain significance (2). Last evaluated 2025-09-28.

Conditions:
Inborn genetic diseases. Identifiers: MedGen C0950123, MeSH D030342.

Allele frequency attached by ClinVar (database versions not stated): gnomAD exomes below 0.00001; TOPMed below 0.00001; gnomAD 0.00001.
gnomAD v4.1: 3 of 1,588,064 alleles (0.00019%); highest among the groups gnomAD compares: Non-Finnish European, 0.00017%; no homozygotes.

Submissions (2):

Ambry Genetics
Classification: Uncertain significance for Inborn genetic diseases. Last evaluated: 2025-09-28. Review status: criteria provided, single submitter. Criteria: Ambry Variant Classification Scheme 2023. Collection method: clinical testing. Allele origin: germline.

Labcorp Genetics (formerly Invitae), Labcorp
Classification: Uncertain significance. Last evaluated: 2021-06-01. Review status: criteria provided, single submitter. Criteria: Invitae Variant Classification Sherloc (09022015). Collection method: clinical testing. Allele origin: germline.
Comment: In summary, the available evidence is currently insufficient to determine the role of this variant in disease. Therefore, it has been classified as a Variant of Uncertain Significance. Algorithms developed to predict the effect of missense changes on protein structure and function are either unavailable or do not agree on the potential impact of this missense change (SIFT: "Not Available"; PolyPhen-2: "Probably Damaging"; Align-GVGD: "Not Available"). This variant has not been reported in the literature in individuals with MYO18B-related conditions. This variant is not present in population databases (ExAC no frequency). This sequence change replaces alanine with valine at codon 764 of the MYO18B protein (p.Ala764Val). The alanine residue is moderately conserved and there is a small physicochemical difference between alanine and valine.